The following is an entry in ClinVar:

ClinVar aggregate classification (germline): Uncertain significance (1 of 4 stars; one submission).

Submission:

GeneDx
Classification: Uncertain significance. Last evaluated: 2022-08-12. Review status: criteria provided, single submitter. Criteria: GeneDx Variant Classification Process June 2021. Collection method: clinical testing. Allele origin: germline. Affected: yes.
Comment: Not observed at significant frequency in large population cohorts (gnomAD); In silico analysis supports that this missense variant has a deleterious effect on protein structure/function; Has not been previously published as pathogenic or benign to our knowledge

NM_001009944.3(PKD1):c.151T>C (p.Cys51Arg)

Gene: PKD1 (polycystin 1, transient receptor potential channel interacting; minus strand). Cytogenetic location: 16p13.3.
Variant type: single nucleotide variant.
Coding change: c.151T>C on transcript NM_001009944.3 (MANE Select); coding-DNA position 151, T replaced by C.
Protein change: p.Cys51Arg; replaces cysteine 51 with arginine.
Molecular consequence: missense variant.
Genome position (GRCh38, 1-based): chr16:2,135,539, A>G on the plus strand (T>C on the coding strand, the complement: PKD1 is on the minus strand). VCF-style: chr16-2135539-A-G. GRCh37 (hg19) VCF-style: chr16-2185540-A-G.
Other names: c.151T>C, p.Cys51Arg (NM_000296.4); short protein forms C51R.
Identifiers: ClinVar variation 2429661 (VCV002429661.1), dbSNP rs2151858256, ClinGen allele CA394282414.